The following is an entry in ClinVar:

NM_000138.5(FBN1):c.2598C>T (p.Ile866=)

Gene: FBN1 (fibrillin 1; minus strand). Cytogenetic location: 15q21.1.
Variant type: single nucleotide variant.
Coding change: c.2598C>T on transcript NM_000138.5 (MANE Select); coding-DNA position 2598, C replaced by T.
Protein change: p.Ile866=; no amino-acid change (isoleucine 866 retained).
Molecular consequence: synonymous variant.
Genome position (GRCh38, 1-based): chr15:48,495,202, G>A on the plus strand (C>T on the coding strand, the complement: FBN1 is on the minus strand). VCF-style: chr15-48495202-G-A. GRCh37 (hg19) VCF-style: chr15-48787399-G-A.
Identifiers: ClinVar variation 495577 (VCV000495577.17), dbSNP rs752457534, ClinGen allele CA048147.

ClinVar aggregate classification (germline): Likely benign. Review status: criteria provided, multiple submitters, no conflicts (2 of 4 stars). 6 submissions from 6 submitters: Likely benign (6). Last evaluated 2026-05-18.

Conditions:
Marfan syndrome (MFS). Also called: MARFAN SYNDROME, TYPE I; FBN1-Related Marfan Syndrome; Marfan syndrome type 1; Marfan's syndrome; Marfan syndrome, classic. Identifiers: Orphanet 284963, Orphanet 558, MedGen C0024796, MONDO:0007947, OMIM 154700.
Familial thoracic aortic aneurysm and aortic dissection (TAAD). Also called: Thoracic aortic aneurysms and dissections. Identifiers: Orphanet 91387, MedGen C4707243, MONDO:0019625.

Allele frequency attached by ClinVar (database versions not stated): TOPMed below 0.00001; gnomAD 0.00001; gnomAD exomes 0.00002 and 0.00003; ExAC 0.00006.
gnomAD v4.1: 17 of 1,614,046 alleles (0.0011%); highest among the groups gnomAD compares: Admixed American, 0.0033%; no homozygotes.

Submissions (6):

Ambry Genetics
Classification: Likely benign for Familial thoracic aortic aneurysm and aortic dissection. Last evaluated: 2026-05-18. Review status: criteria provided, single submitter. Criteria: Ambry Variant Classification Scheme 2023. Collection method: clinical testing. Allele origin: germline.

Labcorp Genetics (formerly Invitae), Labcorp
Classification: Likely benign for Marfan syndrome; Familial thoracic aortic aneurysm and aortic dissection. Last evaluated: 2024-12-18. Review status: criteria provided, single submitter. Criteria: Invitae Variant Classification Sherloc (09022015). Collection method: clinical testing. Allele origin: germline.

All of Us Research Program, National Institutes of Health
Classification: Likely benign for Marfan syndrome. Last evaluated: 2024-08-30. Review status: criteria provided, single submitter. Criteria: ACMG Guidelines, 2015. Collection method: clinical testing. Allele origin: germline. Inheritance: Autosomal dominant inheritance. Observed: 4 variant alleles, 4 heterozygotes.
Comment: This study involves interpretation of variants in research participants for the purpose of population health screening. Participant phenotype was not available at the time of variant classification. Additional details can be found in publication PMID: 35346344, PMCID: PMC8962531

Blueprint Genetics
Classification: Likely benign. Last evaluated: 2023-05-17. Review status: criteria provided, single submitter. Criteria: ACMG Guidelines, 2015. Collection method: clinical testing. Allele origin: germline.

Women's Health and Genetics/Laboratory Corporation of America, LabCorp
Classification: Likely benign. Last evaluated: 2019-08-28. Review status: criteria provided, single submitter. Criteria: LabCorp Variant Classification Summary - May 2015. Collection method: clinical testing. Allele origin: germline.

Color Diagnostics, LLC DBA Color Health
Classification: Likely benign for Familial thoracic aortic aneurysm and aortic dissection. Last evaluated: 2018-12-10. Review status: criteria provided, single submitter. Criteria: ACMG Guidelines, 2015. Collection method: clinical testing. Allele origin: germline.